The following is an entry in ClinVar:

NM_003737.4(DCHS1):c.2258del (p.Asn753fs)

Gene: DCHS1 (dachsous cadherin-related 1; minus strand). Cytogenetic location: 11p15.4.
Variant type: Deletion.
Coding change: c.2258del on transcript NM_003737.4 (MANE Select); coding-DNA position 2258, one base deleted (A; older notation c.2258delA).
Protein change: p.Asn753fs; shifts the reading frame from asparagine 753.
Molecular consequence: frameshift variant.
Genome position (GRCh38, 1-based): chr11:6,633,609, T deleted on the plus strand (A on the coding strand, the reverse complement: DCHS1 is on the minus strand); the first of 2 consecutive T bases (chr11:6,633,609-6,633,610); deleting either gives the same sequence. VCF-style (leftmost placement, unchanged base first): chr11-6633608-AT-A. GRCh37 (hg19) VCF-style: chr11-6654839-AT-A.
Other names: short protein forms N753fs.
Identifiers: ClinVar variation 2693297 (VCV002693297.3), dbSNP rs2493831760, ClinGen allele CA2612274268.

ClinVar aggregate classification (germline): Pathogenic (1 of 4 stars; one submission).

Submission:

Labcorp Genetics (formerly Invitae), Labcorp
Classification: Pathogenic. Last evaluated: 2024-01-31. Review status: criteria provided, single submitter. Criteria: Invitae Variant Classification Sherloc (09022015). Collection method: clinical testing. Allele origin: germline.
Comment: This sequence change creates a premature translational stop signal (p.Asn753Ilefs*59) in the DCHS1 gene. It is expected to result in an absent or disrupted protein product. Loss-of-function variants in DCHS1 are known to be pathogenic (PMID: 24056717, 26258302). This variant is not present in population databases (gnomAD no frequency). This variant has not been reported in the literature in individuals affected with DCHS1-related conditions. For these reasons, this variant has been classified as Pathogenic.

Literature cited by the submitters: PubMed 24056717; PubMed 26258302.